The following is an entry in ClinVar:

NM_000264.5(PTCH1):c.3808G>A (p.Val1270Ile)

Gene: PTCH1 (patched 1; minus strand). Cytogenetic location: 9q22.32.
Variant type: single nucleotide variant.
Coding change: c.3808G>A on transcript NM_000264.5 (MANE Select); coding-DNA position 3808, G replaced by A.
Protein change: p.Val1270Ile; replaces valine 1270 with isoleucine.
Molecular consequence: missense variant. On other transcripts: non-coding transcript variant (1).
Genome position (GRCh38, 1-based): chr9:95,447,448, C>T on the plus strand (G>A on the coding strand, the complement: PTCH1 is on the minus strand). VCF-style: chr9-95447448-C-T. GRCh37 (hg19) VCF-style: chr9-98209730-C-T.
Other names: c.3610G>A, p.Val1204Ile (NM_001083602.3); c.3805G>A, p.Val1269Ile (NM_001083603.3); c.3355G>A, p.Val1119Ile (NM_001083604.3, NM_001083605.3, NM_001083606.3 and 1 more transcripts); c.3652G>A, p.Val1218Ile (NM_001354918.2); short protein forms V1119I, V1204I, V1269I, V1270I, V1218I.
Identifiers: ClinVar variation 965248 (VCV000965248.14), dbSNP rs938997251, ClinGen allele CA196558722.
Genomic context (GRCh38, chr9:95,447,448, plus strand): 5'-AGTCCAGGTGGGGCTGCTGTCTCGGGTTCGAGGGTGGGTGATGCCTGGATTCGGGATGGA[C>T]CACCTGCAGAGGGTGAGGGTGGGTTAGAAGGGTGGTATCCCAGGCTGGGCATGGTCCCCG-3'
Protein context (NP_000255.2, residues 1260-1280): ENPVFAHSTV[Val1270Ile]HPESRHHPPS

ClinVar aggregate classification (germline): Conflicting classifications of pathogenicity. Review status: criteria provided, conflicting classifications (1 of 4 stars). 4 submissions from 4 submitters: Uncertain significance (2); Benign (1); Likely benign (1). Last evaluated 2025-08-21.

Conditions:
Basal cell carcinoma, susceptibility to, 1. Also called: BCC1. Identifiers: MedGen C2751544, MONDO:0011556, OMIM 605462.
Gorlin syndrome. Also called: Nevoid Basal Cell Carcinoma Syndrome; Basal cell nevus syndrome. Identifiers: Orphanet 377, MedGen C0004779, MONDO:0007187.
Hereditary cancer-predisposing syndrome. Also called: Hereditary neoplastic syndrome; Hereditary Cancer Syndrome; Tumor predisposition; Neoplastic Syndromes, Hereditary. Identifiers: Orphanet 140162, MedGen C0027672, MeSH D009386, MONDO:0015356.

Allele frequency attached by ClinVar (database versions not stated): TOPMed 0.00002; gnomAD 0.00003.
gnomAD v4.1: 6 of 1,581,304 alleles (0.00038%); highest among the groups gnomAD compares: African/African-American, 0.0081%; no homozygotes.

Submissions (4):

Labcorp Genetics (formerly Invitae), Labcorp
Classification: Benign for Gorlin syndrome. Last evaluated: 2025-08-21. Review status: criteria provided, single submitter. Criteria: Invitae Variant Classification Sherloc (09022015). Collection method: clinical testing. Allele origin: germline.

Ambry Genetics
Classification: Uncertain significance for Hereditary cancer-predisposing syndrome. Last evaluated: 2024-04-04. Review status: criteria provided, single submitter. Criteria: Ambry Variant Classification Scheme 2023. Collection method: clinical testing. Allele origin: germline.
Comment: The p.V1270I variant (also known as c.3808G>A), located in coding exon 23 of the PTCH1 gene, results from a G to A substitution at nucleotide position 3808. The valine at codon 1270 is replaced by isoleucine, an amino acid with highly similar properties. This amino acid position is well conserved in available vertebrate species. In addition, this alteration is predicted to be tolerated by in silico analysis. Since supporting evidence is limited at this time, the clinical significance of this alteration remains unclear.

Baylor Genetics
Classification: Uncertain significance for Basal cell carcinoma, susceptibility to, 1. Last evaluated: 2023-06-02. Review status: criteria provided, single submitter. Criteria: ACMG Guidelines, 2015. Collection method: clinical testing. Allele origin: unknown.

GeneDx
Classification: Likely benign. Last evaluated: 2021-05-04. Review status: criteria provided, single submitter. Criteria: GeneDx Variant Classification Process June 2021. Collection method: clinical testing. Allele origin: germline. Affected: yes.